The following is an entry in ClinVar:

ClinVar aggregate classification (germline): Likely benign. Review status: criteria provided, multiple submitters, no conflicts (2 of 4 stars). 2 submissions from 2 submitters: Likely benign (2). Last evaluated 2026-03-01.

gnomAD v4.1: 791 of 1,614,092 alleles (0.049%); highest among the groups gnomAD compares: South Asian, 0.77%; 11 homozygotes.

Submissions (2):

CeGaT Center for Human Genetics Tuebingen
Classification: Likely benign. Last evaluated: 2026-03-01. Review status: criteria provided, single submitter. Criteria: CeGaT Center For Human Genetics Tuebingen Variant Classification Criteria Version 2. Collection method: clinical testing. Allele origin: germline. Affected: yes. Observed: 2 variant alleles.
Comment: SPTB: BP4, BP7

Mayo Clinic Laboratories, Mayo Clinic
Classification: Likely benign. Last evaluated: 2025-06-06. Review status: criteria provided, single submitter. Criteria: ACMG Guidelines, 2015. Collection method: clinical testing. Allele origin: germline. Observed: 4 variant alleles.
Comment: BP4, BP7

NM_001355436.2(SPTB):c.6624T>C (p.Cys2208=)

Genes: PLEKHG3 (pleckstrin homology and RhoGEF domain containing G3; plus strand), SPTB (spectrin beta, erythrocytic; minus strand). Cytogenetic location: 14q23.3.
Variant type: single nucleotide variant.
Coding change: c.6624T>C on transcript NM_001355436.2 (MANE Select); coding-DNA position 6624, T replaced by C.
Protein change: p.Cys2208=; no amino-acid change (cysteine 2208 retained).
Molecular consequence: synonymous variant. On other transcripts: 3 prime UTR variant (1).
Genome position (GRCh38, 1-based): chr14:64,750,133, A>G on the plus strand (T>C on the coding strand, the complement: SPTB is on the minus strand). VCF-style: chr14-64750133-A-G. GRCh37 (hg19) VCF-style: chr14-65216851-A-G.
Other names: p.Cys2208=; c.*6430A>G (NM_001308147.2); c.6624T>C, p.Cys2208= (NM_001024858.4).
Identifiers: ClinVar variation 4683865 (VCV004683865.5).